The following is an entry in ClinVar:

NM_007194.4(CHEK2):c.1564C>G (p.Pro522Ala)

Gene: CHEK2 (checkpoint kinase 2; minus strand). Cytogenetic location: 22q12.1.
Variant type: single nucleotide variant.
Coding change: c.1564C>G on transcript NM_007194.4 (MANE Select); coding-DNA position 1564, C replaced by G.
Protein change: p.Pro522Ala; replaces proline 522 with alanine.
Molecular consequence: missense variant.
Genome position (GRCh38, 1-based): chr22:28,687,965, G>C on the plus strand (C>G on the coding strand, the complement: CHEK2 is on the minus strand). VCF-style: chr22-28687965-G-C. GRCh37 (hg19) VCF-style: chr22-29083953-G-C.
Other names: c.1693C>G, p.Pro565Ala (NM_001005735.3); c.901C>G, p.Pro301Ala (NM_001257387.3); c.1363C>G, p.Pro455Ala (NM_001349956.3); c.1477C>G, p.Pro493Ala (NM_145862.3); short protein forms P301A, P455A, P493A, P522A, P565A.
Identifiers: ClinVar variation 2824906 (VCV002824906.3), dbSNP rs2052186545, ClinGen allele CA411091358.

ClinVar aggregate classification (germline): Uncertain significance (1 of 4 stars; one submission).

Conditions:
Familial cancer of breast. Also called: Hereditary breast cancer; BREAST CANCER, FAMILIAL; hereditary breast carcinoma. Identifiers: Orphanet 227535, MedGen C0346153, MONDO:0016419, OMIM 114480. Disease mechanism: loss of function.

Submission:

Labcorp Genetics (formerly Invitae), Labcorp
Classification: Uncertain significance for Familial cancer of breast. Last evaluated: 2022-12-30. Review status: criteria provided, single submitter. Criteria: Invitae Variant Classification Sherloc (09022015). Collection method: clinical testing. Allele origin: germline.
Comment: In summary, the available evidence is currently insufficient to determine the role of this variant in disease. Therefore, it has been classified as a Variant of Uncertain Significance. Algorithms developed to predict the effect of missense changes on protein structure and function output the following: SIFT: "Tolerated"; PolyPhen-2: "Benign"; Align-GVGD: "Class C0". The alanine amino acid residue is found in multiple mammalian species, which suggests that this missense change does not adversely affect protein function. This variant has not been reported in the literature in individuals affected with CHEK2-related conditions. This variant is not present in population databases (gnomAD no frequency). This sequence change replaces proline, which is neutral and non-polar, with alanine, which is neutral and non-polar, at codon 522 of the CHEK2 protein (p.Pro522Ala).